The following is an entry in ClinVar:

ClinVar aggregate classification (germline): Likely benign. Review status: criteria provided, multiple submitters, no conflicts (2 of 4 stars). 3 submissions from 3 submitters: Likely benign (2). 1 of the submissions does not count toward it. Last evaluated 2025-04-09.

Conditions:
DSC2-related disorder. Also called: DSC2-related condition.
Arrhythmogenic right ventricular dysplasia 11. Also called: Arrhythmogenic Right Ventricular Dysplasia/Cardiomyopathy11; ARRHYTHMOGENIC RIGHT VENTRICULAR DYSPLASIA, FAMILIAL, 11; Arrhythmogenic right ventricular dysplasia 11 with mild palmoplantar keratoderma and woolly hair. Identifiers: MedGen C1864850, MONDO:0012506, OMIM 610476.

Allele frequency attached by ClinVar (database versions not stated): gnomAD exomes below 0.00001; ExAC 0.00001; TOPMed 0.00002; 1000 Genomes Project 0.00020; gnomAD 0.00001; 1000 Genomes Project 30x 0.00016.
gnomAD v4.1: 3 of 1,598,762 alleles (0.00019%); highest among the groups gnomAD compares: African/African-American, 0.004%; no homozygotes.

Submissions (3):

Molecular Diagnostic Laboratory for Inherited Cardiovascular Disease, Montreal Heart Institute
Classification: Likely benign. Last evaluated: 2025-04-09. Review status: criteria provided, single submitter. Criteria: ACMG Guidelines, 2015. Collection method: clinical testing. Allele origin: germline. Affected: no.

Labcorp Genetics (formerly Invitae), Labcorp
Classification: Likely benign for Arrhythmogenic right ventricular dysplasia 11. Last evaluated: 2025-01-02. Review status: criteria provided, single submitter. Criteria: Invitae Variant Classification Sherloc (09022015). Collection method: clinical testing. Allele origin: germline.

PreventionGenetics, part of Exact Sciences
Classification: Likely benign for DSC2-related condition. Last evaluated: 2020-12-08. Review status: no assertion criteria provided. Collection method: clinical testing. Allele origin: germline. Not counted in ClinVar's aggregate classification.
Comment: This variant is classified as likely benign based on ACMG/AMP sequence variant interpretation guidelines (Richards et al. 2015 PMID: 25741868, with internal and published modifications).

NM_024422.6(DSC2):c.154+9G>A

Gene: DSC2 (desmocollin 2; minus strand). Cytogenetic location: 18q12.1.
Variant type: single nucleotide variant.
Coding change: c.154+9G>A on transcript NM_024422.6 (MANE Select); 9 bases into the intron after coding-DNA position 154, G replaced by A.
Molecular consequence: intron variant.
Genome position (GRCh38, 1-based): chr18:31,093,550, C>T on the plus strand (G>A on the coding strand, the complement: DSC2 is on the minus strand). VCF-style: chr18-31093550-C-T. GRCh37 (hg19) VCF-style: chr18-28673513-C-T.
Other names: c.154+9G>A (NM_004949.5, NM_024422.4).
Identifiers: ClinVar variation 1646989 (VCV001646989.11), dbSNP rs562001495, ClinGen allele CA032014.